The following is an entry in ClinVar:

NM_002637.4(PHKA1):c.1715-175A>G

Gene: PHKA1 (phosphorylase kinase regulatory subunit alpha 1; minus strand). Cytogenetic location: Xq13.1.
Variant type: single nucleotide variant.
Coding change: c.1715-175A>G on transcript NM_002637.4 (MANE Select); 175 bases into the intron before coding-DNA position 1715, A replaced by G.
Molecular consequence: intron variant.
Genome position (GRCh38, 1-based): chrX:72,627,224, T>C on the plus strand (A>G on the coding strand, the complement: PHKA1 is on the minus strand). VCF-style: chrX-72627224-T-C. GRCh37 (hg19) VCF-style: chrX-71847074-T-C.
Other names: c.1715-175A>G (NM_001172436.2, NM_001122670.2).
Identifiers: ClinVar variation 667853 (VCV000667853.1), dbSNP rs12012333, ClinGen allele CA331061011.

ClinVar aggregate classification (germline): Benign (1 of 4 stars; one submission).

Allele frequency attached by ClinVar (database versions not stated): gnomAD 0.23428 and 0.23462; TOPMed 0.27998; 1000 Genomes Project 30x 0.41249; 1000 Genomes Project 0.41722.

Submission:

GeneDx
Classification: Benign. Last evaluated: 2018-06-14. Review status: criteria provided, single submitter. Criteria: GeneDx Variant Classification (06012015). Collection method: clinical testing. Allele origin: germline. Affected: yes.
Comment: This variant is considered likely benign or benign based on one or more of the following criteria: it is a conservative change, it occurs at a poorly conserved position in the protein, it is predicted to be benign by multiple in silico algorithms, and/or has population frequency not consistent with disease.